The following is an entry in ClinVar:

ClinVar aggregate classification (germline): Uncertain significance. Review status: criteria provided, multiple submitters, no conflicts (2 of 4 stars). 3 submissions from 3 submitters: Uncertain significance (3). Last evaluated 2025-01-28.

Conditions:
Hereditary cancer-predisposing syndrome. Also called: Hereditary Cancer Syndrome; Hereditary neoplastic syndrome; Neoplastic Syndromes, Hereditary; Tumor predisposition. Identifiers: Orphanet 140162, MedGen C0027672, MeSH D009386, MONDO:0015356.
Familial adenomatous polyposis 1 (FAP1). Also called: FAMILIAL ADENOMATOUS POLYPOSIS 1, ATTENUATED; POLYPOSIS, ADENOMATOUS INTESTINAL. Identifiers: MedGen C2713442, MONDO:0021056, OMIM 175100. Disease mechanism: loss of function.

Allele frequency attached by ClinVar (database versions not stated): gnomAD exomes 0.00001.

Submissions (3):

Ambry Genetics
Classification: Uncertain significance for Hereditary cancer-predisposing syndrome. Last evaluated: 2025-01-28. Review status: criteria provided, single submitter. Criteria: Ambry Variant Classification Scheme 2023. Collection method: clinical testing. Allele origin: germline.
Comment: The p.M1431V variant (also known as c.4291A>G), located in coding exon 15 of the APC gene, results from an A to G substitution at nucleotide position 4291. The methionine at codon 1431 is replaced by valine, an amino acid with highly similar properties. Missense alterations in APC are not a common cause of disease (Spier I et al. Genet Med. 2024 Feb;26(2):100992). This amino acid position is highly conserved in available vertebrate species. In addition, in silico predictors for this gene do not accurately predict pathogenicity. Based on the available evidence, the clinical significance of this variant remains unclear.

Color Diagnostics, LLC DBA Color Health
Classification: Uncertain significance for Hereditary cancer-predisposing syndrome. Last evaluated: 2024-07-26. Review status: criteria provided, single submitter. Criteria: ACMG Guidelines, 2015. Collection method: clinical testing. Allele origin: germline.
Comment: This missense variant replaces methionine with valine at codon 1431 of the APC protein. Computational prediction is inconclusive regarding the impact of this variant on protein structure and function (internally defined REVEL score threshold 0.5 < inconclusive < 0.7, PMID: 27666373). To our knowledge, functional studies have not been reported for this variant. This variant has not been reported in individuals affected with APC-related disorders in the literature. This variant has not been identified in the general population by the Genome Aggregation Database (gnomAD). The available evidence is insufficient to determine the role of this variant in disease conclusively. Therefore, this variant is classified as a Variant of Uncertain Significance.

Labcorp Genetics (formerly Invitae), Labcorp
Classification: Uncertain significance for Familial adenomatous polyposis 1. Last evaluated: 2023-03-29. Review status: criteria provided, single submitter. Criteria: Invitae Variant Classification Sherloc (09022015). Collection method: clinical testing. Allele origin: germline.
Comment: This sequence change replaces methionine, which is neutral and non-polar, with valine, which is neutral and non-polar, at codon 1431 of the APC protein (p.Met1431Val). This variant is not present in population databases (gnomAD no frequency). This variant has not been reported in the literature in individuals affected with APC-related conditions. ClinVar contains an entry for this variant (Variation ID: 1739443). Advanced modeling of protein sequence and biophysical properties (such as structural, functional, and spatial information, amino acid conservation, physicochemical variation, residue mobility, and thermodynamic stability) performed at Invitae indicates that this missense variant is not expected to disrupt APC protein function. In summary, the available evidence is currently insufficient to determine the role of this variant in disease. Therefore, it has been classified as a Variant of Uncertain Significance.

NM_000038.6(APC):c.4291A>G (p.Met1431Val)

Gene: APC (APC regulator of Wnt signaling pathway; plus strand). Cytogenetic location: 5q22.2.
Variant type: single nucleotide variant.
Coding change: c.4291A>G on transcript NM_000038.6 (MANE Select); coding-DNA position 4291, A replaced by G.
Protein change: p.Met1431Val; replaces methionine 1431 with valine.
Molecular consequence: missense variant.
Genome position (GRCh38, 1-based): chr5:112,839,885, A>G. VCF-style: chr5-112839885-A-G. GRCh37 (hg19) VCF-style: chr5-112175582-A-G.
Other names: c.4291A>G, p.Met1431Val (NM_001127510.3, NM_001354895.2, NM_001407450.1); c.4237A>G, p.Met1413Val (NM_001127511.3); c.4345A>G, p.Met1449Val (NM_001354896.2, NM_001407447.1, NM_001407448.1 and 1 more transcripts); c.4321A>G, p.Met1441Val (NM_001354897.2); c.4216A>G, p.Met1406Val (NM_001354898.2); c.4207A>G, p.Met1403Val (NM_001354899.2); c.4168A>G, p.Met1390Val (NM_001354900.2); c.4114A>G, p.Met1372Val (NM_001354901.2, NM_001407453.1); and 11 more; short protein forms M1271V, M1424V, M1449V, M1148V, M1330V, M1340V, M1348V, M1413V.
Identifiers: ClinVar variation 1739443 (VCV001739443.9), dbSNP rs2149910952, ClinGen allele CA16030733.